The following is an entry in ClinVar:

NM_016284.5(CNOT1):c.6226G>T (p.Ala2076Ser)

Gene: CNOT1 (CCR4-NOT transcription complex subunit 1; minus strand). Cytogenetic location: 16q21.
Variant type: single nucleotide variant.
Coding change: c.6226G>T on transcript NM_016284.5 (MANE Select); coding-DNA position 6226, G replaced by T.
Protein change: p.Ala2076Ser; replaces alanine 2076 with serine.
Molecular consequence: missense variant. On other transcripts: non-coding transcript variant (1).
Genome position (GRCh38, 1-based): chr16:58,530,299, C>A on the plus strand (G>T on the coding strand, the complement: CNOT1 is on the minus strand). VCF-style: chr16-58530299-C-A. GRCh37 (hg19) VCF-style: chr16-58564203-C-A.
Other names: c.6211G>T, p.Ala2071Ser (NM_001265612.2); short protein forms A2071S, A2076S.
Identifiers: ClinVar variation 3774032 (VCV003774032.1).

ClinVar aggregate classification (germline): Uncertain significance (1 of 4 stars; one submission).

Submission:

GeneDx
Classification: Uncertain significance. Last evaluated: 2024-09-24. Review status: criteria provided, single submitter. Criteria: GeneDx Variant Classification Process June 2021. Collection method: clinical testing. Allele origin: germline. Affected: yes.
Comment: Not observed at significant frequency in large population cohorts (gnomAD); In silico analysis indicates that this missense variant does not alter protein structure/function; In silico analysis suggests this variant may impact gene splicing. In the absence of RNA/functional studies, the actual effect of this sequence change is unknown.; Has not been previously published as pathogenic or benign to our knowledge